The following is an entry in ClinVar:

NM_000090.4(COL3A1):c.2735G>A (p.Gly912Asp)

Gene: COL3A1 (collagen type III alpha 1 chain; plus strand). Cytogenetic location: 2q32.2.
Variant type: single nucleotide variant.
Coding change: c.2735G>A on transcript NM_000090.4 (MANE Select); coding-DNA position 2735, G replaced by A.
Protein change: p.Gly912Asp; replaces glycine 912 with aspartic acid.
Molecular consequence: missense variant.
Genome position (GRCh38, 1-based): chr2:189,004,055, G>A. VCF-style: chr2-189004055-G-A. GRCh37 (hg19) VCF-style: chr2-189868781-G-A.
Identifiers: ClinVar variation 101486 (VCV000101486.4), dbSNP rs587779716, ClinGen allele CA005640.

ClinVar aggregate classification (germline): Pathogenic. Review status: criteria provided, single submitter (1 of 4 stars). 2 submissions from 2 submitters: Pathogenic (1). 1 of the submissions does not count toward it. Last evaluated 2022-03-14.

Conditions:
Ehlers-Danlos syndrome, type 4 (EDSVASC). Also called: Ehlers-Danlos syndrome vascular type; Ehlers Danlos syndrome, ecchymotic type; Ehlers Danlos syndrome, arterial type; Ehlers Danlos syndrome, Sack-Barabas type; Ehlers-Danlos Syndrome Type IV. Identifiers: Orphanet 286, MedGen C0268338, MONDO:0017314, OMIM 130050.

Allele frequency attached by ClinVar (database versions not stated): gnomAD exomes below 0.00001.
gnomAD v4.1: 1 of 1,613,294 alleles (0.000062%); highest among the groups gnomAD compares: Non-Finnish European, 0.000085%; no homozygotes.

Submissions (2):

GeneDx
Classification: Pathogenic. Last evaluated: 2022-03-14. Review status: criteria provided, single submitter. Criteria: GeneDx Variant Classification Process June 2021. Collection method: clinical testing. Allele origin: germline. Affected: yes.
Comment: Not observed at significant frequency in large population cohorts (gnomAD); In silico analysis supports that this missense variant has a deleterious effect on protein structure/function; Occurs in the triple helical domain and replaces the glycine in the canonical Gly-X-Y repeat; missense substitution of a canonical glycine residue is expected to disrupt normal protein folding and function, and this is an established mechanism of disease (HGMD); This variant is associated with the following publications: (PMID: 30474650, 25758994, 30919682, 24922459, 23567233)

Collagen Diagnostic Laboratory, University of Washington
Classification: Pathogenic for Ehlers-Danlos syndrome, type 4. Review status: no assertion criteria provided. Collection method: clinical testing. Allele origin: germline. Affected: yes. Not counted in ClinVar's aggregate classification.